The following is an entry in ClinVar:

NM_207361.6(FREM2):c.4416G>A (p.Thr1472=)

Gene: FREM2 (FRAS1 related extracellular matrix 2; plus strand). Cytogenetic location: 13q13.3.
Variant type: single nucleotide variant.
Coding change: c.4416G>A on transcript NM_207361.6 (MANE Select); coding-DNA position 4416, G replaced by A.
Protein change: p.Thr1472=; no amino-acid change (threonine 1472 retained).
Molecular consequence: synonymous variant.
Genome position (GRCh38, 1-based): chr13:38,691,760, G>A. VCF-style: chr13-38691760-G-A. GRCh37 (hg19) VCF-style: chr13-39265897-G-A.
Other names: c.4416G>A (NM_207361.5).
Identifiers: ClinVar variation 3014973 (VCV003014973.4), dbSNP rs371041368, ClinGen allele CA6954984.
Genomic context (GRCh38, chr13:38,691,760, plus strand): 5'-TGATGAAAACTTGGTTTTTACCATCACCAGGGCTCCCATGCGAGGTCACCTGGAATGCAC[G>A]GATCAGCCTGGTGTGTCCATCACGTCTTTCACTCAGCTGCAACTGGCTGGAAACAAAATC-3'
Protein context (NP_997244.4, residues 1462-1482): RAPMRGHLEC[Thr1472=]DQPGVSITSF

ClinVar aggregate classification (germline): Likely benign. Review status: criteria provided, single submitter (1 of 4 stars). 2 submissions from 2 submitters: Likely benign (1). 1 of the submissions does not count toward it. Last evaluated 2025-11-16.

Conditions:
FREM2-related disorder. Also called: FREM2-related condition.

Allele frequency attached by ClinVar (database versions not stated): ExAC 0.00002; gnomAD exomes below 0.00001; gnomAD 0.00001; TOPMed 0.00002; ESP Exome Variant Server 0.00008.
gnomAD v4.1: 5 of 1,613,972 alleles (0.00031%); highest among the groups gnomAD compares: African/African-American, 0.0027%; no homozygotes.

Submissions (2):

Labcorp Genetics (formerly Invitae), Labcorp
Classification: Likely benign. Last evaluated: 2025-11-16. Review status: criteria provided, single submitter. Criteria: Invitae Variant Classification Sherloc (09022015). Collection method: clinical testing. Allele origin: germline.

PreventionGenetics, part of Exact Sciences
Classification: Likely benign for FREM2-related condition. Last evaluated: 2021-09-15. Review status: no assertion criteria provided. Collection method: clinical testing. Allele origin: germline. Not counted in ClinVar's aggregate classification.
Comment: This variant is classified as likely benign based on ACMG/AMP sequence variant interpretation guidelines (Richards et al. 2015 PMID: 25741868, with internal and published modifications).